The following is an entry in ClinVar:

NM_001385125.1(OPN1SW):c.680T>C (p.Val227Ala)

Gene: OPN1SW (opsin 1, short wave sensitive; minus strand). Cytogenetic location: 7q32.1.
Variant type: single nucleotide variant.
Coding change: c.680T>C on transcript NM_001385125.1 (MANE Select); coding-DNA position 680, T replaced by C.
Protein change: p.Val227Ala; replaces valine 227 with alanine.
Molecular consequence: missense variant.
Genome position (GRCh38, 1-based): chr7:128,773,887, A>G on the plus strand (T>C on the coding strand, the complement: OPN1SW is on the minus strand). VCF-style: chr7-128773887-A-G. GRCh37 (hg19) VCF-style: chr7-128413941-A-G.
Other names: short protein forms V227A.
Identifiers: ClinVar variation 1384459 (VCV001384459.8), dbSNP rs1801694142, ClinGen allele CA369218197.

ClinVar aggregate classification (germline): Uncertain significance (1 of 4 stars; one submission).

Allele frequency attached by ClinVar (database versions not stated): gnomAD exomes below 0.00001; gnomAD 0.00001; TOPMed 0.00001.

Submission:

Labcorp Genetics (formerly Invitae), Labcorp
Classification: Uncertain significance. Last evaluated: 2025-04-14. Review status: criteria provided, single submitter. Criteria: Invitae Variant Classification Sherloc (09022015). Collection method: clinical testing. Allele origin: germline.
Comment: This sequence change replaces valine, which is neutral and non-polar, with alanine, which is neutral and non-polar, at codon 230 of the OPN1SW protein (p.Val230Ala). This variant is not present in population databases (gnomAD no frequency). This variant has not been reported in the literature in individuals affected with OPN1SW-related conditions. ClinVar contains an entry for this variant (Variation ID: 1384459). An algorithm developed to predict the effect of missense changes on protein structure and function (PolyPhen-2) suggests that this variant is likely to be tolerated. In summary, the available evidence is currently insufficient to determine the role of this variant in disease. Therefore, it has been classified as a Variant of Uncertain Significance.